The following is an entry in ClinVar:

NM_000038.6(APC):c.7312G>C (p.Val2438Leu)

Gene: APC (APC regulator of Wnt signaling pathway; plus strand). Cytogenetic location: 5q22.2.
Variant type: single nucleotide variant.
Coding change: c.7312G>C on transcript NM_000038.6 (MANE Select); coding-DNA position 7312, G replaced by C.
Protein change: p.Val2438Leu; replaces valine 2438 with leucine.
Molecular consequence: missense variant.
Genome position (GRCh38, 1-based): chr5:112,842,906, G>C. VCF-style: chr5-112842906-G-C. GRCh37 (hg19) VCF-style: chr5-112178603-G-C.
Other names: c.7258G>C, p.Val2420Leu (NM_001127511.3); c.7312G>C, p.Val2438Leu (NM_001354895.2, NM_001127510.3, NM_001407450.1); c.7366G>C, p.Val2456Leu (NM_001354896.2, NM_001407447.1, NM_001407448.1 and 1 more transcripts); c.7009G>C, p.Val2337Leu (NM_001354903.2, NM_001407458.1, NM_001407459.1 and 1 more transcripts); c.7189G>C, p.Val2397Leu (NM_001354900.2); c.7135G>C, p.Val2379Leu (NM_001354901.2, NM_001407453.1); c.7039G>C, p.Val2347Leu (NM_001354902.2); c.7237G>C, p.Val2413Leu (NM_001354898.2); and 11 more; short protein forms V2278L, V2312L, V2410L, V2420L, V2309L, V2347L, V2397L, V2438L.
Identifiers: ClinVar variation 1758269 (VCV001758269.2), dbSNP rs1766445332, ClinGen allele CA16037254.

ClinVar aggregate classification (germline): Uncertain significance (1 of 4 stars; one submission).

Conditions:
Hereditary cancer-predisposing syndrome. Also called: Neoplastic Syndromes, Hereditary; Tumor predisposition; Hereditary Cancer Syndrome; Hereditary neoplastic syndrome. Identifiers: Orphanet 140162, MedGen C0027672, MeSH D009386, MONDO:0015356.

Allele frequency attached by ClinVar (database versions not stated): gnomAD 0.00001.
gnomAD v4.1: 1 of 1,613,930 alleles (0.000062%); highest among the groups gnomAD compares: African/African-American, 0.0013%; no homozygotes.

Submission:

Ambry Genetics
Classification: Uncertain significance for Hereditary cancer-predisposing syndrome. Last evaluated: 2022-10-19. Review status: criteria provided, single submitter. Criteria: Ambry Variant Classification Scheme 2023. Collection method: clinical testing. Allele origin: germline.
Comment: The p.V2438L variant (also known as c.7312G>C), located in coding exon 15 of the APC gene, results from a G to C substitution at nucleotide position 7312. The valine at codon 2438 is replaced by leucine, an amino acid with highly similar properties. This amino acid position is conserved. In addition, in silico predictors for this gene do not accurately predict pathogenicity. Since supporting evidence is limited at this time, the clinical significance of this alteration remains unclear.